The following is an entry in ClinVar:

ClinVar aggregate classification (germline): Uncertain significance (1 of 4 stars; one submission).

Submission:

Dasa
Classification: Uncertain significance. Last evaluated: 2026-05-13. Review status: criteria provided, single submitter. Criteria: DASA Assertion Criteria. Collection method: clinical testing. Allele origin: germline.
Comment: NM_020706.2(SCAF4):c.2954A>T (p.Asn985Ile) is a missense variant that results in the substitution of asparagine with isoleucine. This variant is rare in population databases. The currently available literature and clinical evidence are not sufficient to establish a definitive association between this variant and the reported condition. Therefore, this variant is classified as a variant of uncertain significance.

NM_020706.2(SCAF4):c.2954A>T (p.Asn985Ile)

Gene: SCAF4 (SR-related CTD associated factor 4; minus strand). Cytogenetic location: 21q22.11.
Variant type: single nucleotide variant.
Coding change: c.2954A>T on transcript NM_020706.2 (MANE Select); coding-DNA position 2954, A replaced by T.
Protein change: p.Asn985Ile; replaces asparagine 985 with isoleucine.
Molecular consequence: missense variant.
Genome position (GRCh38, 1-based): chr21:31,671,889, T>A on the plus strand (A>T on the coding strand, the complement: SCAF4 is on the minus strand). VCF-style: chr21-31671889-T-A. GRCh37 (hg19) VCF-style: chr21-33044202-T-A.
Other names: c.2909A>T, p.Asn970Ile (NM_001145444.1); c.2888A>T, p.Asn963Ile (NM_001145445.1); short protein forms N963I, N970I, N985I.
Identifiers: ClinVar variation 5020577 (VCV005020577.1).